The following is an entry in ClinVar:

ClinVar aggregate classification (germline): Benign (1 of 4 stars; one submission).

Conditions:
Intellectual developmental disorder, X-linked 30. Also called: Intellectual disability, X-linked 30; MENTAL RETARDATION, X-LINKED 47. Identifiers: Orphanet 777, MedGen C0796237, MONDO:0010361, OMIM 300558.

Allele frequency attached by ClinVar (database versions not stated): gnomAD 0.00023 and 0.00032; 1000 Genomes Project 0.00185; 1000 Genomes Project 30x 0.00187; TOPMed 0.00053; gnomAD exomes 0.00524.
gnomAD v4.1: 36 of 112,462 alleles (0.032%); highest among the groups gnomAD compares: East Asian, 0.87%; no homozygotes.

Submission:

Illumina Laboratory Services, Illumina
Classification: Benign for Intellectual developmental disorder, X-linked 30. Last evaluated: 2018-01-13. Review status: criteria provided, single submitter. Criteria: ICSL Variant Classification Criteria 13 December 2019. Collection method: clinical testing. Allele origin: germline.
Comment: This variant was observed in the ICSL laboratory as part of a predisposition screen in an ostensibly healthy population. It had not been previously curated by ICSL or reported in the Human Gene Mutation Database (HGMD: prior to June 1st, 2018), and was therefore a candidate for classification through an automated scoring system. Utilizing variant allele frequency, disease prevalence and penetrance estimates, and inheritance mode, an automated score was calculated to assess if this variant is too frequent to cause the disease. Based on the score and internal cut-off values, a variant classified as benign is not then subjected to further curation. The score for this variant resulted in a classification of benign for this disease.

NM_002578.5(PAK3):c.-63A>G

Gene: PAK3 (p21 (RAC1) activated kinase 3; plus strand). Cytogenetic location: Xq23.
Variant type: single nucleotide variant.
Coding change: c.-63A>G on transcript NM_002578.5 (MANE Select); 63 bases upstream of the start codon, A replaced by G.
Molecular consequence: 5 prime UTR variant. On other transcripts: non-coding transcript variant (6), intron variant (6).
Genome position (GRCh38, 1-based): chrX:111,103,271, A>G. VCF-style: chrX-111103271-A-G. GRCh37 (hg19) VCF-style: chrX-110346499-A-G.
Other names: c.-63A>G (NM_001128168.3, NM_001128173.3, NM_001324325.2 and 5 more transcripts); c.-27-19806A>G (NM_001128166.3, NM_001128167.3); c.-28+5587A>G (NM_001324327.2, NM_001324331.2, NM_001324328.2 and 1 more transcripts).
Identifiers: ClinVar variation 914026 (VCV000914026.4), dbSNP rs192192146, ClinGen allele CA334397414.
Genomic context (GRCh38, chrX:111,103,271, plus strand): 5'-GCCCAGCACTGAGTCTGTAGGAGCTGAAGCCAGCCCGGACCCTTCTCATGGGCAGTGCCC[A>G]CCTGTGCTGAAGTCCTGCAGCGGTGGCGGTGTGAGGTGAGTAATGGAGTCCAGGGCAGGG-3'